The following is an entry in ClinVar:

NM_004364.5(CEBPA):c.435C>A (p.Pro145=)

Gene: CEBPA (CCAAT enhancer binding protein alpha; minus strand). Cytogenetic location: 19q13.11.
Variant type: single nucleotide variant.
Coding change: c.435C>A on transcript NM_004364.5 (MANE Select); coding-DNA position 435, C replaced by A.
Protein change: p.Pro145=; no amino-acid change (proline 145 retained).
Molecular consequence: synonymous variant.
Genome position (GRCh38, 1-based): chr19:33,301,980, G>T on the plus strand (C>A on the coding strand, the complement: CEBPA is on the minus strand). VCF-style: chr19-33301980-G-T. GRCh37 (hg19) VCF-style: chr19-33792886-G-T.
Other names: c.78C>A, p.Pro26= (NM_001285829.2); c.540C>A, p.Pro180= (NM_001287424.2); c.393C>A, p.Pro131= (NM_001287435.2).
Identifiers: ClinVar variation 2014267 (VCV002014267.4), dbSNP rs2513331441, ClinGen allele CA507007805.

ClinVar aggregate classification (germline): Uncertain significance (1 of 4 stars; one submission).

Conditions:
Acute myeloid leukemia (AML). Also called: Acute myeloid leukemia, adult; AML adult; Acute non-lymphocytic leukemia; Acute granulocytic leukemia; Leukemia, acute myeloid, somatic; Leukemia, acute myelogenous, somatic. Identifiers: Orphanet 519, MedGen C0023467, MeSH D015470, MONDO:0018874, OMIM 601626, HP:0004808. Disease mechanism: Constitutively activated FLT3.

Submission:

Labcorp Genetics (formerly Invitae), Labcorp
Classification: Uncertain significance for Acute myeloid leukemia. Last evaluated: 2022-07-05. Review status: criteria provided, single submitter. Criteria: Invitae Variant Classification Sherloc (09022015). Collection method: clinical testing. Allele origin: germline.
Comment: This sequence change affects codon 145 of the CEBPA mRNA. It is a 'silent' change, meaning that it does not change the encoded amino acid sequence of the CEBPA protein. The frequency data for this variant in the population databases is considered unreliable, as metrics indicate insufficient coverage at this position in the gnomAD database. This variant has not been reported in the literature in individuals affected with CEBPA-related conditions. In summary, the available evidence is currently insufficient to determine the role of this variant in disease. Therefore, it has been classified as a Variant of Uncertain Significance.